The following is an entry in ClinVar:

NM_004656.4(BAP1):c.875C>A (p.Ser292Tyr)

Gene: BAP1 (BRCA1 associated deubiquitinase 1; minus strand). Cytogenetic location: 3p21.1.
Variant type: single nucleotide variant.
Coding change: c.875C>A on transcript NM_004656.4 (MANE Select); coding-DNA position 875, C replaced by A.
Protein change: p.Ser292Tyr; replaces serine 292 with tyrosine.
Molecular consequence: missense variant.
Genome position (GRCh38, 1-based): chr3:52,405,821, G>T on the plus strand (C>A on the coding strand, the complement: BAP1 is on the minus strand). VCF-style: chr3-52405821-G-T. GRCh37 (hg19) VCF-style: chr3-52439837-G-T.
Other names: c.821C>A, p.Ser274Tyr (NM_001410772.1); short protein forms S292Y, S274Y.
Identifiers: ClinVar variation 3477618 (VCV003477618.1).
Genomic context (GRCh38, chr3:52,405,821, plus strand): 5'-GTACCTGTGTGGTTGCCCTCAGAGGCTGCAGGGGCCCTGTTTGCTTCCAGCACCAGCGGG[G>T]ACTTGTTGCTGGCTGACTTGGACTCCTCAGGCAGCTGTGACTCTTGAGACTTGTGGGTCT-3'
Protein context (NP_004647.1, residues 282-302): PEESKSASNK[Ser292Tyr]PLVLEANRAP

ClinVar aggregate classification (germline): Uncertain significance (1 of 4 stars; one submission).

Conditions:
Hereditary cancer-predisposing syndrome. Also called: Tumor predisposition; Neoplastic Syndromes, Hereditary; Hereditary neoplastic syndrome; Hereditary Cancer Syndrome. Identifiers: Orphanet 140162, MedGen C0027672, MeSH D009386, MONDO:0015356.

Submission:

Ambry Genetics
Classification: Uncertain significance for Hereditary cancer-predisposing syndrome. Last evaluated: 2024-09-15. Review status: criteria provided, single submitter. Criteria: Ambry Variant Classification Scheme 2023. Collection method: clinical testing. Allele origin: germline.
Comment: The p.S292Y variant (also known as c.875C>A), located in coding exon 10 of the BAP1 gene, results from a C to A substitution at nucleotide position 875. The serine at codon 292 is replaced by tyrosine, an amino acid with dissimilar properties. This amino acid position is conserved. In addition, this alteration is predicted to be tolerated by in silico analysis. Based on the available evidence, the clinical significance of this variant remains unclear.